The following is an entry in ClinVar:

ClinVar aggregate classification (germline): Uncertain significance. Review status: criteria provided, multiple submitters, no conflicts (2 of 4 stars). 2 submissions from 2 submitters: Uncertain significance (2). Last evaluated 2025-04-04.

Conditions:
Inborn genetic diseases. Identifiers: MedGen C0950123, MeSH D030342.
Multiple sulfatase deficiency (MSD). Also called: Multiple Sulfatase Deficiency Disease; Sulfatidosis, Juvenile, Austin Type; Mucosulfatidosis. Identifiers: Orphanet 585, MedGen C0268263, MONDO:0010088, OMIM 272200.

Allele frequency attached by ClinVar (database versions not stated): ExAC 0.00002; gnomAD 0.00009; TOPMed 0.00011; 1000 Genomes Project 30x 0.00016; 1000 Genomes Project 0.00020; ESP Exome Variant Server 0.00023.
gnomAD v4.1: 42 of 1,614,140 alleles (0.0026%); highest among the groups gnomAD compares: African/African-American, 0.023%; no homozygotes.

Submissions (2):

Ambry Genetics
Classification: Uncertain significance for Inborn genetic diseases. Last evaluated: 2025-04-04. Review status: criteria provided, single submitter. Criteria: Ambry Variant Classification Scheme 2023. Collection method: clinical testing. Allele origin: germline.

Labcorp Genetics (formerly Invitae), Labcorp
Classification: Uncertain significance for Multiple sulfatase deficiency. Last evaluated: 2022-06-16. Review status: criteria provided, single submitter. Criteria: Invitae Variant Classification Sherloc (09022015). Collection method: clinical testing. Allele origin: germline.
Comment: This sequence change replaces arginine, which is basic and polar, with cysteine, which is neutral and slightly polar, at codon 369 of the SUMF1 protein (p.Arg369Cys). This variant is present in population databases (rs147405528, gnomAD 0.01%). This variant has not been reported in the literature in individuals affected with SUMF1-related conditions. Algorithms developed to predict the effect of missense changes on protein structure and function (SIFT, PolyPhen-2, Align-GVGD) all suggest that this variant is likely to be tolerated. In summary, the available evidence is currently insufficient to determine the role of this variant in disease. Therefore, it has been classified as a Variant of Uncertain Significance.

NM_182760.4(SUMF1):c.1105C>T (p.Arg369Cys)

Gene: SUMF1 (sulfatase modifying factor 1; minus strand). Cytogenetic location: 3p26.1.
Variant type: single nucleotide variant.
Coding change: c.1105C>T on transcript NM_182760.4 (MANE Select); coding-DNA position 1105, C replaced by T.
Protein change: p.Arg369Cys; replaces arginine 369 with cysteine.
Molecular consequence: missense variant.
Genome position (GRCh38, 1-based): chr3:4,362,164, G>A on the plus strand (C>T on the coding strand, the complement: SUMF1 is on the minus strand). VCF-style: chr3-4362164-G-A. GRCh37 (hg19) VCF-style: chr3-4403848-G-A.
Other names: c.1030C>T, p.Arg344Cys (NM_001164674.2); c.1045C>T, p.Arg349Cys (NM_001164675.2); c.1105C>T (NM_182760.3); short protein forms R349C, R344C, R369C.
Identifiers: ClinVar variation 2145466 (VCV002145466.2), dbSNP rs147405528, ClinGen allele CA2230312.
Genomic context (GRCh38, chr3:4,362,164, plus strand): 5'-CACGACTGCTCCTTGGACTGGGGAAGACTTTCCTTGGTTGTCAGTCCATAGTGGGCAGGC[G>A]GTCGGCTGCACAGCGGAATCCCAGATTCGAAGCAGAGCTATCAGGTGTGTTCTGGCTCCG-3'
Protein context (NP_877437.2, residues 359-374): SNLGFRCAAD[Arg369Cys]LPTMD